The following is an entry in ClinVar:

NM_006147.4(IRF6):c.1177C>T (p.Gln393Ter)

Gene: IRF6 (interferon regulatory factor 6; minus strand). Cytogenetic location: 1q32.2.
Variant type: single nucleotide variant.
Coding change: c.1177C>T on transcript NM_006147.4 (MANE Select); coding-DNA position 1177, C replaced by T.
Protein change: p.Gln393Ter; replaces glutamine 393 with a stop codon.
Molecular consequence: nonsense.
Genome position (GRCh38, 1-based): chr1:209,789,669, G>A on the plus strand (C>T on the coding strand, the complement: IRF6 is on the minus strand). VCF-style: chr1-209789669-G-A. GRCh37 (hg19) VCF-style: chr1-209963014-G-A.
Other names: c.892C>T, p.Gln298Ter (NM_001206696.2); c.1177C>T (NM_006147.3); short protein forms Q393*, Q298*.
Identifiers: ClinVar variation 3413 (VCV000003413.3), dbSNP rs121434225, ClinGen allele CA252754.

ClinVar aggregate classification (germline): Likely pathogenic. Review status: criteria provided, single submitter (1 of 4 stars). 2 submissions from 2 submitters: Likely pathogenic (1). Last evaluated 2024-11-19.

Conditions:
Popliteal pterygium syndrome (PPS). Identifiers: Orphanet 294963, MedGen C0265259, MONDO:0017435.

Submission:

GeneDx
Classification: Likely pathogenic. Last evaluated: 2024-11-19. Review status: criteria provided, single submitter. Criteria: GeneDx Variant Classification Process June 2021. Collection method: clinical testing. Allele origin: germline. Affected: yes.
Comment: Reported in a patient with popliteal ptergyium syndrome in published literature; clinical information not provided (PMID: 12219090); Nonsense variant predicted to result in protein truncation, as the last 77 amino acid(s) are lost, and other loss-of-function variants have been reported downstream in HGMD; Not observed at significant frequency in large population cohorts (gnomAD); This variant is associated with the following publications: (PMID: 25525159, 12219090)